The following is an entry in ClinVar:

ClinVar aggregate classification (germline): no classifications from unflagged records (0 of 4 stars; one submission).

Conditions:
Congenital disorder of glycosylation, type IIz (CDG2Z). Also called: CDG IIz. Identifiers: MedGen C5774295, MONDO:0859357, OMIM 620201.

Submission:

OMIM
Classification: Pathogenic for CONGENITAL DISORDER OF GLYCOSYLATION, TYPE IIz (1 patient). Last evaluated: 2023-01-23. Review status: flagged submission. Collection method: literature only. Allele origin: germline.
ClinVar note: Notes: Flagging candidate with reason of insufficient supporting evidence. This gene has been classified as having a limited gene-disease relationship by a ClinGen Expert Panel.
ClinVar note: Reason: P/LP classification for a variant in a gene with insufficient evidence for a gene-disease relationship

Literature cited by the submitters: PubMed 35262690.

NM_001745.4(CAMLG):c.633+4A>G

Gene: CAMLG (calcium modulating ligand; plus strand). Cytogenetic location: 5q31.1.
Variant type: single nucleotide variant.
Coding change: c.633+4A>G on transcript NM_001745.4 (MANE Select); 4 bases into the intron after coding-DNA position 633, A replaced by G.
Molecular consequence: intron variant.
Genome position (GRCh38, 1-based): chr5:134,741,527, A>G. VCF-style: chr5-134741527-A-G. GRCh37 (hg19) VCF-style: chr5-134077217-A-G.
Other names: IVS2DS, A-G, +4.
Identifiers: ClinVar variation 2443791 (VCV002443791.1), dbSNP rs2531964635, ClinGen allele CA2580072744.